The following is an entry in ClinVar:

ClinVar aggregate classification (germline): Uncertain significance. Review status: criteria provided, multiple submitters, no conflicts (2 of 4 stars). 2 submissions from 2 submitters: Uncertain significance (2). Last evaluated 2025-12-09.

gnomAD v4.1: 73 of 1,613,904 alleles (0.0045%); highest among the groups gnomAD compares: South Asian, 0.03%; no homozygotes.

Submissions (2):

Ambry Genetics
Classification: Uncertain significance. Last evaluated: 2025-12-09. Review status: criteria provided, single submitter. Criteria: Ambry Variant Classification Scheme 2023. Collection method: clinical testing. Allele origin: germline.

Labcorp Genetics (formerly Invitae), Labcorp
Classification: Uncertain significance. Last evaluated: 2025-11-05. Review status: criteria provided, single submitter. Criteria: Invitae Variant Classification Sherloc (09022015). Collection method: clinical testing. Allele origin: germline.
Comment: This sequence change replaces glycine, which is neutral and non-polar, with arginine, which is basic and polar, at codon 685 of the BUB1 protein (p.Gly685Arg). This variant is present in population databases (rs773128235, gnomAD 0.02%). This variant has not been reported in the literature in individuals affected with BUB1-related conditions. Experimental studies and prediction algorithms are not available or were not evaluated, and the functional significance of this variant is currently unknown. In summary, the available evidence is currently insufficient to determine the role of this variant in disease. Therefore, it has been classified as a Variant of Uncertain Significance.

NM_004336.5(BUB1):c.2053G>C (p.Gly685Arg)

Gene: BUB1 (BUB1 mitotic checkpoint serine/threonine kinase; minus strand). Cytogenetic location: 2q13.
Variant type: single nucleotide variant.
Coding change: c.2053G>C on transcript NM_004336.5 (MANE Select); coding-DNA position 2053, G replaced by C.
Protein change: p.Gly685Arg; replaces glycine 685 with arginine.
Molecular consequence: missense variant.
Genome position (GRCh38, 1-based): chr2:110,650,696, C>G on the plus strand (G>C on the coding strand, the complement: BUB1 is on the minus strand). VCF-style: chr2-110650696-C-G. GRCh37 (hg19) VCF-style: chr2-111408273-C-G.
Other names: c.1993G>C, p.Gly665Arg (NM_001278616.2); c.2053G>C, p.Gly685Arg (NM_001278617.2); short protein forms G665R, G685R.
Identifiers: ClinVar variation 4647067 (VCV004647067.2).